The following is an entry in ClinVar:

NM_000081.4(LYST):c.3850G>C (p.Ala1284Pro)

Gene: LYST (lysosomal trafficking regulator; minus strand). Cytogenetic location: 1q42.3.
Variant type: single nucleotide variant.
Coding change: c.3850G>C on transcript NM_000081.4 (MANE Select); coding-DNA position 3850, G replaced by C.
Protein change: p.Ala1284Pro; replaces alanine 1284 with proline.
Molecular consequence: missense variant.
Genome position (GRCh38, 1-based): chr1:235,800,960, C>G on the plus strand (G>C on the coding strand, the complement: LYST is on the minus strand). VCF-style: chr1-235800960-C-G. GRCh37 (hg19) VCF-style: chr1-235964260-C-G.
Other names: c.3850G>C, p.Ala1284Pro (NM_001301365.1); short protein forms A1284P.
Identifiers: ClinVar variation 2018288 (VCV002018288.1), dbSNP rs1672146656, ClinGen allele CA344943566.

ClinVar aggregate classification (germline): Uncertain significance (1 of 4 stars; one submission).

Conditions:
Chédiak-Higashi syndrome (CHS). Also called: Chediak-Higashi Syndrome. Identifiers: Orphanet 167, MedGen C0007965, MONDO:0008963, OMIM 214500.

Submission:

Labcorp Genetics (formerly Invitae), Labcorp
Classification: Uncertain significance for Chédiak-Higashi syndrome. Last evaluated: 2022-08-16. Review status: criteria provided, single submitter. Criteria: Invitae Variant Classification Sherloc (09022015). Collection method: clinical testing. Allele origin: germline.
Comment: This sequence change replaces alanine, which is neutral and non-polar, with proline, which is neutral and non-polar, at codon 1284 of the LYST protein (p.Ala1284Pro). This variant is not present in population databases (gnomAD no frequency). This variant has not been reported in the literature in individuals affected with LYST-related conditions. Algorithms developed to predict the effect of missense changes on protein structure and function (SIFT, PolyPhen-2, Align-GVGD) all suggest that this variant is likely to be tolerated. In summary, the available evidence is currently insufficient to determine the role of this variant in disease. Therefore, it has been classified as a Variant of Uncertain Significance.